The following is an entry in ClinVar:

NM_001267550.2(TTN):c.18406C>T (p.Arg6136Ter)

Genes: TTN (titin; minus strand), LOC126806430 (BRD4-independent group 4 enhancer GRCh37_chr2:179593794-179594993; plus strand). Cytogenetic location: 2q31.2.
Variant type: single nucleotide variant.
Coding change: c.18406C>T on transcript NM_001267550.2 (MANE Select); coding-DNA position 18406, C replaced by T.
Protein change: p.Arg6136Ter; replaces arginine 6136 with a stop codon.
Molecular consequence: nonsense. On other transcripts: intron variant (3).
Genome position (GRCh38, 1-based): chr2:178,729,847, G>A on the plus strand (C>T on the coding strand, the complement: TTN is on the minus strand). VCF-style: chr2-178729847-G-A. GRCh37 (hg19) VCF-style: chr2-179594574-G-A.
Other names: c.17455C>T, p.Arg5819Ter (NM_001256850.1); c.14674C>T, p.Arg4892Ter (NM_133378.4); c.13282+8235C>T (NM_003319.4); c.13858+8235C>T (NM_133437.4); c.13657+8235C>T (NM_133432.3); short protein forms R6136*, R4892*, R5819*.
Identifiers: ClinVar variation 1478336 (VCV001478336.10), dbSNP rs2154307591, ClinGen allele CA349562613.
Genomic context (GRCh38, chr2:178,729,847, plus strand): 5'-AGGAAATGCCATGTTTCTGAATGGCTGTTATTTCATTCCCGTCTAGATACCAAGACACTC[G>A]GATTTTAGGAGTGCCTGTTATTTGGCATTCAAATGTTGTTGACTGTCCATTCCTCAGCAC-3'

ClinVar aggregate classification (germline): Likely pathogenic. Review status: criteria provided, multiple submitters, no conflicts (2 of 4 stars). 2 submissions from 2 submitters: Likely pathogenic (2). Last evaluated 2024-10-18.

Conditions:
Dilated cardiomyopathy 1G (CMD1G). Identifiers: Orphanet 154, MedGen C1858763, MONDO:0011400, OMIM 604145.
Autosomal recessive limb-girdle muscular dystrophy type 2J (LGMDR10). Also called: Limb-girdle muscular dystrophy, type 2J; MUSCULAR DYSTROPHY, LIMB-GIRDLE, AUTOSOMAL RECESSIVE 10. Identifiers: Orphanet 140922, MedGen C1837342, MONDO:0012127, OMIM 608807.
Myopathy, myofibrillar, 9, with early respiratory failure (MFM9). Also called: EDSTROM MYOPATHY; Hereditary myopathy with early respiratory failure; MYOPATHY, PROXIMAL, WITH EARLY RESPIRATORY MUSCLE INVOLVEMENT; Myopathy, distal, with early respiratory failure, autosomal dominant. Identifiers: Orphanet 178464, Orphanet 34521, MedGen C1863599, MONDO:0011362, OMIM 603689.
Tibial muscular dystrophy (TMD). Also called: Udd Distal Myopathy – Tibial Muscular Dystrophy; UDD MYOPATHY; Tibial muscular dystrophy, tardive. Identifiers: Orphanet 609, MedGen C1838244, MONDO:0010870, OMIM 600334.
Hypertrophic cardiomyopathy 9. Also called: Familial hypertrophic cardiomyopathy 9. Identifiers: MedGen C1861065, MONDO:0013412, OMIM 613765.
Early-onset myopathy with fatal cardiomyopathy (CMYO5). Also called: Salih Myopathy; CONGENITAL MYOPATHY 5 WITH CARDIOMYOPATHY. Identifiers: Orphanet 289377, MedGen C2673677, MONDO:0012714, OMIM 611705. Disease mechanism: loss of function.

gnomAD v4.1: 1 of 1,613,598 alleles (0.000062%); highest among the groups gnomAD compares: Non-Finnish European, 0.000085%; no homozygotes.

Submissions (2):

Labcorp Genetics (formerly Invitae), Labcorp
Classification: Likely pathogenic for Dilated cardiomyopathy 1G; Autosomal recessive limb-girdle muscular dystrophy type 2J. Last evaluated: 2024-10-18. Review status: criteria provided, single submitter. Criteria: Invitae Variant Classification Sherloc (09022015). Collection method: clinical testing. Allele origin: germline.
Comment: This sequence change creates a premature translational stop signal (p.Arg6136*) in the TTN gene. While this is not anticipated to result in nonsense mediated decay, it is expected to create a truncated TTN protein. This variant is not present in population databases (gnomAD no frequency). This variant has not been reported in the literature in individuals affected with TTN-related conditions. ClinVar contains an entry for this variant (Variation ID: 1478336). Algorithms developed to predict the effect of sequence changes on RNA splicing suggest that this variant may disrupt the consensus splice site. This variant is located in the I band of TTN (PMID: 25589632). Truncating variants in this region have been reported in individuals affected with autosomal recessive centronuclear myopathy (PMID: 23975875, internal data). Truncating variants in this region have also been identified in individuals affected with autosomal dominant dilated cardiomyopathy and/or cardio-related conditions (PMID: 27869827, 32964742, internal data). In summary, the currently available evidence indicates that the variant is pathogenic, but additional data are needed to prove that conclusively. Therefore, this variant has been classified as Likely Pathogenic.

Juno Genomics, Hangzhou Juno Genomics, Inc
Classification: Likely pathogenic for Hypertrophic cardiomyopathy 9; Dilated cardiomyopathy 1G; Early-onset myopathy with fatal cardiomyopathy; Autosomal recessive limb-girdle muscular dystrophy type 2J; Myopathy, myofibrillar, 9, with early respiratory failure; Tibial muscular dystrophy. Review status: criteria provided, single submitter. Criteria: ACMG Guidelines, 2015. Collection method: clinical testing. Allele origin: germline.
Comment: Absent from controls (or at extremely low frequency if recessive) in Genome Aggregation Database.;Null variant in a gene where loss of function (LOF) is a known mechanism of disease.

Literature cited by the submitters: PubMed 25589632 (cited by Labcorp Genetics (formerly Invitae), Labcorp); PubMed 23975875 (cited by Labcorp Genetics (formerly Invitae), Labcorp); PubMed 27869827 (cited by Labcorp Genetics (formerly Invitae), Labcorp); PubMed 32964742 (cited by Labcorp Genetics (formerly Invitae), Labcorp).